The following is an entry in ClinVar:

ClinVar aggregate classification (germline): Benign/Likely benign. Review status: criteria provided, multiple submitters, no conflicts (2 of 4 stars). 2 submissions from 2 submitters: Benign (1); Likely benign (1). Last evaluated 2025-06-13.

Allele frequency attached by ClinVar (database versions not stated): gnomAD exomes 0.00010; ExAC 0.00064; ESP Exome Variant Server 0.00110; gnomAD 0.00121; TOPMed 0.00125; 1000 Genomes Project 0.00200; 1000 Genomes Project 30x 0.00250.
gnomAD v4.1: 319 of 1,551,702 alleles (0.021%); highest among the groups gnomAD compares: African/African-American, 0.41%; no homozygotes.

Submissions (2):

Labcorp Genetics (formerly Invitae), Labcorp
Classification: Benign. Last evaluated: 2025-06-13. Review status: criteria provided, single submitter. Criteria: Invitae Variant Classification Sherloc (09022015). Collection method: clinical testing. Allele origin: germline.

GeneDx
Classification: Likely benign. Last evaluated: 2020-01-15. Review status: criteria provided, single submitter. Criteria: GeneDx Variant Classification Process June 2021. Collection method: clinical testing. Allele origin: germline. Affected: yes.
Comment: See Variant Classification Assertion Criteria.

NM_001291088.2(WDR87):c.3624G>A (p.Leu1208=)

Gene: WDR87 (WD repeat domain 87; minus strand). Cytogenetic location: 19q13.13.
Variant type: single nucleotide variant.
Coding change: c.3624G>A on transcript NM_001291088.2 (MANE Select); coding-DNA position 3624, G replaced by A.
Protein change: p.Leu1208=; no amino-acid change (leucine 1208 retained).
Molecular consequence: synonymous variant.
Genome position (GRCh38, 1-based): chr19:37,890,047, C>T on the plus strand (G>A on the coding strand, the complement: WDR87 is on the minus strand). VCF-style: chr19-37890047-C-T. GRCh37 (hg19) VCF-style: chr19-38380687-C-T.
Other names: c.3507G>A, p.Leu1169= (NM_031951.5).
Identifiers: ClinVar variation 1707242 (VCV001707242.7), dbSNP rs76167694, ClinGen allele CA9408705.